The following is an entry in ClinVar:

NR_033396.1(SLC22A20):n.585G>A

Variant type: single nucleotide variant.
Molecular consequence: non-coding transcript variant (on NR_033396.1).
Genome position: GRCh38 VCF-style: chr11-65217601-G-A. GRCh37 (hg19) VCF-style: chr11-64985072-G-A.
Identifiers: ClinVar variation 2641951 (VCV002641951.23), dbSNP rs76431162, ClinGen allele CA6093944.

ClinVar aggregate classification (germline): Likely benign (1 of 4 stars; one submission).

Submission:

CeGaT Center for Human Genetics Tuebingen
Classification: Likely benign. Last evaluated: 2023-01-01. Review status: criteria provided, single submitter. Criteria: CeGaT Center For Human Genetics Tuebingen Variant Classification Criteria Version 2. Collection method: clinical testing. Allele origin: germline. Affected: yes. Observed: 1 variant allele.
Comment: SLC22A20P: BS2